The following is an entry in ClinVar:

NM_213599.3(ANO5):c.1406G>A (p.Trp469Ter)

Gene: ANO5 (anoctamin 5; plus strand). Cytogenetic location: 11p14.3.
Variant type: single nucleotide variant.
Coding change: c.1406G>A on transcript NM_213599.3 (MANE Select); coding-DNA position 1406, G replaced by A.
Protein change: p.Trp469Ter; replaces tryptophan 469 with a stop codon.
Molecular consequence: nonsense.
Genome position (GRCh38, 1-based): chr11:22,257,753, G>A. VCF-style: chr11-22257753-G-A. GRCh37 (hg19) VCF-style: chr11-22279299-G-A.
Other names: c.1403G>A, p.Trp468Ter (NM_001142649.2); short protein forms W469*, W468*.
Identifiers: ClinVar variation 290010 (VCV000290010.9), dbSNP rs765427574, ClinGen allele CA5923240.
Genomic context (GRCh38, chr11:22,257,753, plus strand): 5'-ACATGCCTCTATACACGCGTATTCCATGGTACTTTCTTTCAGGAGCCACAGTGACATTAT[G>A]GGTGAGCATTTCTTTAAAAATTGCTATAATTTCTTCAACAGGTGATTAAATGAGCTATCT-3'

ClinVar aggregate classification (germline): Pathogenic. Review status: criteria provided, multiple submitters, no conflicts (2 of 4 stars). 2 submissions from 2 submitters: Pathogenic (2). Last evaluated 2026-01-01.

Allele frequency attached by ClinVar (database versions not stated): gnomAD exomes below 0.00001 and 0.00001; ExAC 0.00002.
gnomAD v4.1: 4 of 1,608,302 alleles (0.00025%); highest among the groups gnomAD compares: South Asian, 0.0044%; no homozygotes.

Submissions (2):

CeGaT Center for Human Genetics Tuebingen
Classification: Pathogenic. Last evaluated: 2026-01-01. Review status: criteria provided, single submitter. Criteria: CeGaT Center For Human Genetics Tuebingen Variant Classification Criteria Version 2. Collection method: clinical testing. Allele origin: germline. Affected: yes. Observed: 1 variant allele.
Comment: ANO5: PVS1, PM2, PM3

Eurofins Ntd Llc (ga)
Classification: Pathogenic. Last evaluated: 2016-08-05. Review status: criteria provided, single submitter. Criteria: EGL Classification Definitions 2015. Collection method: clinical testing. Allele origin: germline. Observed: 1 variant allele, 1 heterozygote.